The following is an entry in ClinVar:

NM_021072.4(HCN1):c.204_205insAGCCTCAGCTTCAGCACCAGCCGCACCGGAGCCCGGACCGCAGCCACTAAG (p.Gly68_Gly69insSerLeuSerPheSerThrSerArgThrGlyAlaArgThrAlaAlaThrLys)

Gene: HCN1 (hyperpolarization activated cyclic nucleotide gated potassium channel 1; minus strand). Cytogenetic location: 5p12.
Variant type: Insertion.
Coding change: c.204_205insAGCCTCAGCTTCAGCACCAGCCGCACCGGAGCCCGGACCGCAGCCACTAAG on transcript NM_021072.4 (MANE Select); coding-DNA positions 204 to 205, AGCCTCAGCTTCAGCACCAGCCGCACCGGAGCCCGGACCGCAGCCACTAAG inserted.
Protein change: p.Gly68_Gly69insSerLeuSerPheSerThrSerArgThrGlyAlaArgThrAlaAlaThrLys.
Molecular consequence: inframe insertion.
Genome position: GRCh38: chr5:45,695,889-45,695,890. GRCh37 (hg19): chr5:45,695,991-45,695,992.
Identifiers: ClinVar variation 2958291 (VCV002958291.3), dbSNP rs2478644344, ClinGen allele CA2537105909.

ClinVar aggregate classification (germline): Uncertain significance (1 of 4 stars; one submission).

Conditions:
Early-infantile DEE. Also called: Early infantile epileptic encephalopathy with suppression bursts; Early infantile epileptic encephalopathy; Ohtahara syndrome. Identifiers: Orphanet 1934, MedGen C0393706, MONDO:0800491.

Submission:

Labcorp Genetics (formerly Invitae), Labcorp
Classification: Uncertain significance for Early-infantile DEE. Last evaluated: 2023-05-12. Review status: criteria provided, single submitter. Criteria: Invitae Variant Classification Sherloc (09022015). Collection method: clinical testing. Allele origin: germline.
Comment: In summary, the available evidence is currently insufficient to determine the role of this variant in disease. Therefore, it has been classified as a Variant of Uncertain Significance. Experimental studies and prediction algorithms are not available or were not evaluated, and the functional significance of this variant is currently unknown. This variant has not been reported in the literature in individuals affected with HCN1-related conditions. This variant is not present in population databases (gnomAD no frequency). This variant, c.204_205ins51, results in the insertion of 17 amino acid(s) of the HCN1 protein (p.Gly68_Gly69ins17), but otherwise preserves the integrity of the reading frame.